The following is an entry in ClinVar:

ClinVar aggregate classification (germline): Uncertain significance. Review status: criteria provided, single submitter (1 of 4 stars). 2 submissions from 1 submitter: Uncertain significance (2).

Conditions:
Transitory neonatal diabetes mellitus. Also called: Transient neonatal diabetes mellitus. Identifiers: MedGen C0342273, MONDO:0020525, HP:0008255.
Maturity-onset diabetes of the young (MODY). Also called: Maturity onset diabetes mellitus in young. Identifiers: Orphanet 552, MedGen C0342276, MONDO:0018911, HP:0004904.

Allele frequency attached by ClinVar (database versions not stated): TOPMed below 0.00001; gnomAD 0.00001.
gnomAD v4.1: 3 of 1,614,110 alleles (0.00019%); highest among the groups gnomAD compares: Non-Finnish European, 0.00025%; no homozygotes.

Submissions (2):

Clinical Genomics, Uppaluri K&H Personalized Medicine Clinic
Classification: Uncertain significance for Maturity-onset diabetes of the young. Review status: criteria provided, single submitter. Criteria: K & H Uppaluri Personalized Medicine Clinic Variant Classification & Assertion Criteria_Updated V.1. Collection method: research. Allele origin: unknown. Inheritance: Somatic mutation.
Comment: Mutations in ABCC8 gene are associated with both neonatal diabetes mellitus as well as MODY. Patients with this mutation may have a better response to sulfonylureas. However, no sufficient evidence is found to ascertain the role of this particular variant (rs1354438772) in MODY yet.

Clinical Genomics, Uppaluri K&H Personalized Medicine Clinic
Classification: Uncertain significance for Transitory neonatal diabetes mellitus. Review status: criteria provided, single submitter. Criteria: K & H Uppaluri Personalized Medicine Clinic Variant Classification & Assertion Criteria_Updated V.1. Collection method: research. Allele origin: unknown. Inheritance: Somatic mutation.
Comment: Mutations in ABCC8 gene are associated with both neonatal diabetes mellitus as well as MODY. Patients with this mutation may have a better response to sulfonylureas. However, no sufficient evidence is found to ascertain the role of this particular variant ( rs1354438772) in neonatal diabetes yet.

Literature cited by the submitters: PubMed 16885549; PubMed 21989597; PubMed 27538677; PubMed 18981553; PubMed 32027066; PubMed 16613899; PubMed 18025408; PubMed 32792356.

NM_000352.6(ABCC8):c.3076C>G (p.Leu1026Val)

Gene: ABCC8 (ATP binding cassette subfamily C member 8; minus strand). Cytogenetic location: 11p15.1.
Variant type: single nucleotide variant.
Coding change: c.3076C>G on transcript NM_000352.6 (MANE Select); coding-DNA position 3076, C replaced by G.
Protein change: p.Leu1026Val; replaces leucine 1026 with valine.
Molecular consequence: missense variant. On other transcripts: non-coding transcript variant (1).
Genome position (GRCh38, 1-based): chr11:17,406,974, G>C on the plus strand (C>G on the coding strand, the complement: ABCC8 is on the minus strand). VCF-style: chr11-17406974-G-C. GRCh37 (hg19) VCF-style: chr11-17428521-G-C.
Other names: c.3079C>G, p.Leu1027Val (NM_001287174.3); c.3142C>G, p.Leu1048Val (NM_001351295.2); c.3076C>G, p.Leu1026Val (NM_001351296.2); c.3073C>G, p.Leu1025Val (NM_001351297.2); short protein forms L1025V, L1026V, L1027V, L1048V.
Identifiers: ClinVar variation 1687726 (VCV001687726.1), dbSNP rs1354438772, ClinGen allele CA379803536.
Genomic context (GRCh38, chr11:17,406,974, plus strand): 5'-CAGGGGTCAGGGTCAGGGCGCTGTCGGTCCACTTGGCCAGCCAGTAGTCGATGGCCACCA[G>C]GACCATGTGCTTGAGCAGCTGTGAGAAGACCAGCAACGACAGGAGCAGGATGCCGGCGGA-3'
Protein context (NP_000343.2, residues 1016-1036): VFSQLLKHMV[Leu1026Val]VAIDYWLAKW